The following is an entry in ClinVar:

ClinVar aggregate classification (germline): Uncertain significance (1 of 4 stars; one submission).

Conditions:
Hyperekplexia 3 (HKPX3). Also called: HYPEREKPLEXIA 3, AUTOSOMAL RECESSIVE; HYPEREKPLEXIA 3, AUTOSOMAL DOMINANT. Identifiers: Orphanet 3197, MedGen C3553288, MONDO:0013827, OMIM 614618.

Allele frequency attached by ClinVar (database versions not stated): gnomAD exomes below 0.00001 and 0.00001; TOPMed below 0.00001; gnomAD 0.00001.
gnomAD v4.1: 10 of 1,613,322 alleles (0.00062%); highest among the groups gnomAD compares: East Asian, 0.0067%; no homozygotes.

Submission:

Labcorp Genetics (formerly Invitae), Labcorp
Classification: Uncertain significance for Hyperekplexia 3. Last evaluated: 2021-09-24. Review status: criteria provided, single submitter. Criteria: Invitae Variant Classification Sherloc (09022015). Collection method: clinical testing. Allele origin: germline.
Comment: This sequence change replaces isoleucine with threonine at codon 665 of the SLC6A5 protein (p.Ile665Thr). The isoleucine residue is highly conserved and there is a moderate physicochemical difference between isoleucine and threonine. This variant is not present in population databases (ExAC no frequency). This variant has not been reported in the literature in individuals with SLC6A5-related conditions. Algorithms developed to predict the effect of missense changes on protein structure and function are either unavailable or do not agree on the potential impact of this missense change (SIFT: "Deleterious"; PolyPhen-2: "Benign"; Align-GVGD: "Class C0"). In summary, the available evidence is currently insufficient to determine the role of this variant in disease. Therefore, it has been classified as a Variant of Uncertain Significance.

NM_004211.5(SLC6A5):c.1994T>C (p.Ile665Thr)

Gene: SLC6A5 (solute carrier family 6 member 5; plus strand). Cytogenetic location: 11p15.1.
Variant type: single nucleotide variant.
Coding change: c.1994T>C on transcript NM_004211.5 (MANE Select); coding-DNA position 1994, T replaced by C.
Protein change: p.Ile665Thr; replaces isoleucine 665 with threonine.
Molecular consequence: missense variant.
Genome position (GRCh38, 1-based): chr11:20,646,858, T>C. VCF-style: chr11-20646858-T-C. GRCh37 (hg19) VCF-style: chr11-20668404-T-C.
Other names: c.1292T>C, p.Ile431Thr (NM_001318369.2); short protein forms I665T, I431T.
Identifiers: ClinVar variation 1433285 (VCV001433285.5), dbSNP rs1384921627, ClinGen allele CA379919382.
Genomic context (GRCh38, chr11:20,646,858, plus strand): 5'-GTGCCTTATACCTGTTCTCTGCTTGTCTATTTGCAGGCTTGCAAAGATTCTGTGAAGATA[T>C]AGAGATGATGATTGGATTCCAGCCTAACATCTTCTGGAAAGTCTGCTGGGCATTTGTAAC-3'
Protein context (NP_004202.4, residues 655-675): VYGLQRFCED[Ile665Thr]EMMIGFQPNI